The following is an entry in ClinVar:

ClinVar aggregate classification (germline): Uncertain significance (1 of 4 stars; one submission).

Submission:

Center for Genomics, Ann and Robert H. Lurie Children's Hospital of Chicago
Classification: Uncertain significance. Last evaluated: 2021-11-23. Review status: criteria provided, single submitter. Criteria: ACMG Guidelines, 2015. Collection method: clinical testing. Allele origin: germline.
Comment: INO80:NM_017553 p.Arg276Gly (c.826C>G): This variant has not been reported in the literature and is not present in large control databases. Evolutionary conservation and computational predictive tools suggest that this variant may impact the protein. In summary, data on this variant is insufficient for disease classification. Therefore, the clinical significance of this variant is uncertain.

NM_017553.3(INO80):c.826C>G (p.Arg276Gly)

Gene: INO80 (INO80 complex ATPase subunit; minus strand). Cytogenetic location: 15q15.1.
Variant type: single nucleotide variant.
Coding change: c.826C>G on transcript NM_017553.3 (MANE Select); coding-DNA position 826, C replaced by G.
Protein change: p.Arg276Gly; replaces arginine 276 with glycine.
Molecular consequence: missense variant. On other transcripts: non-coding transcript variant (1).
Genome position (GRCh38, 1-based): chr15:41,085,416, G>C on the plus strand (C>G on the coding strand, the complement: INO80 is on the minus strand). VCF-style: chr15-41085416-G-C. GRCh37 (hg19) VCF-style: chr15-41377614-G-C.
Other names: short protein forms R276G.
Identifiers: ClinVar variation 626119 (VCV000626119.2), dbSNP rs866583951, ClinGen allele CA391787643.